The following is an entry in ClinVar:

NM_003718.5(CDK13):c.1619A>G (p.Lys540Arg)

Gene: CDK13 (cyclin dependent kinase 13; plus strand). Cytogenetic location: 7p14.1.
Variant type: single nucleotide variant.
Coding change: c.1619A>G on transcript NM_003718.5 (MANE Select); coding-DNA position 1619, A replaced by G.
Protein change: p.Lys540Arg; replaces lysine 540 with arginine.
Molecular consequence: missense variant.
Genome position (GRCh38, 1-based): chr7:39,988,006, A>G. VCF-style: chr7-39988006-A-G. GRCh37 (hg19) VCF-style: chr7-40027605-A-G.
Other names: c.1619A>G, p.Lys540Arg (NM_031267.4); short protein forms K540R.
Identifiers: ClinVar variation 1313917 (VCV001313917.2), dbSNP rs2116267140, ClinGen allele CA367283540.
Genomic context (GRCh38, chr7:39,988,006, plus strand): 5'-TTGAACATGCACCTTCTCCCTCAAGTGGTGGAACTTTAAAAAATGACAAAGCAAAAACAA[A>G]GCCACCTCTTCAGGTAACGAAGGTGGAAAATAATTTGATTGTAGATAAAGCCACCAAGAA-3'
Protein context (NP_003709.3, residues 530-550): GTLKNDKAKT[Lys540Arg]PPLQVTKVEN

ClinVar aggregate classification (germline): Uncertain significance (1 of 4 stars; one submission).

Submission:

GeneDx
Classification: Uncertain significance. Last evaluated: 2021-07-13. Review status: criteria provided, single submitter. Criteria: GeneDx Variant Classification Process June 2021. Collection method: clinical testing. Allele origin: germline. Affected: yes.
Comment: Not observed at significant frequency in large population cohorts (Lek et al., 2016); In silico analysis supports that this missense variant does not alter protein structure/function; Has not been previously published as pathogenic or benign to our knowledge; This variant is associated with the following publications: (PMID: 27535533)